The following is an entry in ClinVar:

NM_004304.5(ALK):c.3220C>T (p.Gln1074Ter)

Gene: ALK (ALK receptor tyrosine kinase; minus strand). Cytogenetic location: 2p23.2.
Variant type: single nucleotide variant.
Coding change: c.3220C>T on transcript NM_004304.5 (MANE Select); coding-DNA position 3220, C replaced by T.
Protein change: p.Gln1074Ter; replaces glutamine 1074 with a stop codon.
Molecular consequence: nonsense.
Genome position (GRCh38, 1-based): chr2:29,223,481, G>A on the plus strand (C>T on the coding strand, the complement: ALK is on the minus strand). VCF-style: chr2-29223481-G-A. GRCh37 (hg19) VCF-style: chr2-29446347-G-A.
Other names: c.16C>T, p.Gln6Ter (NM_001353765.2); short protein forms Q6*, Q1074*.
Identifiers: ClinVar variation 3718884 (VCV003718884.2).

ClinVar aggregate classification (germline): Uncertain significance (1 of 4 stars; one submission).

Conditions:
Neuroblastoma, susceptibility to, 3. Also called: ALK-Related Neuroblastic Tumor Susceptibility. Identifiers: Orphanet 635, MedGen C2751681, MONDO:0013083, OMIM 613014.

gnomAD v4.1: 2 of 1,614,134 alleles (0.00012%); highest among the groups gnomAD compares: Non-Finnish European, 0.00017%; no homozygotes.

Submission:

Labcorp Genetics (formerly Invitae), Labcorp
Classification: Uncertain significance for Neuroblastoma, susceptibility to, 3. Last evaluated: 2024-02-03. Review status: criteria provided, single submitter. Criteria: Invitae Variant Classification Sherloc (09022015). Collection method: clinical testing. Allele origin: germline.
Comment: This sequence change creates a premature translational stop signal (p.Gln1074*) in the ALK gene. It is expected to result in an absent or disrupted protein product. However, the current clinical and genetic evidence is not sufficient to establish whether loss-of-function variants in ALK cause disease. This variant is not present in population databases (gnomAD no frequency). This variant has not been reported in the literature in individuals affected with ALK-related conditions. In summary, the available evidence is currently insufficient to determine the role of this variant in disease. Therefore, it has been classified as a Variant of Uncertain Significance.